The following is an entry in ClinVar:

ClinVar aggregate classification (germline): Uncertain significance. Review status: criteria provided, multiple submitters, no conflicts (2 of 4 stars). 2 submissions from 2 submitters: Uncertain significance (2). Last evaluated 2023-04-10.

Allele frequency attached by ClinVar (database versions not stated): gnomAD exomes below 0.00001; TOPMed 0.00001.
gnomAD v4.1: 3 of 1,608,608 alleles (0.00019%); highest among the groups gnomAD compares: East Asian, 0.0045%; no homozygotes.

Submissions (2):

GeneDx
Classification: Uncertain significance. Last evaluated: 2023-04-10. Review status: criteria provided, single submitter. Criteria: GeneDx Variant Classification Process June 2021. Collection method: clinical testing. Allele origin: germline. Affected: yes.
Comment: Not observed at significant frequency in large population cohorts (gnomAD); In silico analysis supports that this missense variant has a deleterious effect on protein structure/function; Has not been previously published as pathogenic or benign to our knowledge

Blueprint Genetics
Classification: Uncertain significance. Last evaluated: 2019-02-20. Review status: criteria provided, single submitter. Criteria: ACMG Guidelines, 2015. Collection method: clinical testing. Allele origin: germline.

NM_000466.3(PEX1):c.1823T>C (p.Leu608Ser)

Gene: PEX1 (peroxisomal biogenesis factor 1; minus strand). Cytogenetic location: 7q21.2.
Variant type: single nucleotide variant.
Coding change: c.1823T>C on transcript NM_000466.3 (MANE Select); coding-DNA position 1823, T replaced by C.
Protein change: p.Leu608Ser; replaces leucine 608 with serine.
Molecular consequence: missense variant.
Genome position (GRCh38, 1-based): chr7:92,506,325, A>G on the plus strand (T>C on the coding strand, the complement: PEX1 is on the minus strand). VCF-style: chr7-92506325-A-G. GRCh37 (hg19) VCF-style: chr7-92135639-A-G.
Other names: c.1823T>C, p.Leu608Ser (NM_001282677.2); c.1199T>C, p.Leu400Ser (NM_001282678.2); short protein forms L400S, L608S.
Identifiers: ClinVar variation 2662127 (VCV002662127.2), dbSNP rs1485155348, ClinGen allele CA368185306.